The following is an entry in ClinVar:

ClinVar aggregate classification (germline): Benign/Likely benign. Review status: criteria provided, multiple submitters, no conflicts (2 of 4 stars). 6 submissions from 6 submitters: Benign (1); Likely benign (5). Last evaluated 2025-09-17.

Conditions:
Hereditary cancer-predisposing syndrome. Also called: Tumor predisposition; Neoplastic Syndromes, Hereditary; Hereditary Cancer Syndrome; Hereditary neoplastic syndrome. Identifiers: Orphanet 140162, MedGen C0027672, MeSH D009386, MONDO:0015356.
Peutz-Jeghers syndrome (PJS). Also called: POLYPOSIS, HAMARTOMATOUS INTESTINAL; POLYPS-AND-SPOTS SYNDROME; Peutz-Jeghers polyposis; Periorificial lentiginosis syndrome. Identifiers: Orphanet 2869, MedGen C0031269, MeSH D010580, MONDO:0008280, OMIM 175200.

Submissions (6):

Labcorp Genetics (formerly Invitae), Labcorp
Classification: Likely benign for Peutz-Jeghers syndrome. Last evaluated: 2025-09-17. Review status: criteria provided, single submitter. Criteria: Invitae Variant Classification Sherloc (09022015). Collection method: clinical testing. Allele origin: germline.

Myriad Genetics, Inc.
Classification: Benign for Peutz-Jeghers syndrome. Last evaluated: 2025-03-27. Review status: criteria provided, single submitter. Criteria: Myriad Autosomal Dominant, Autosomal Recessive and X-Linked Classification Criteria (2023). Collection method: clinical testing. Allele origin: unknown.
Comment: This variant is considered benign. This variant is a silent/synonymous amino acid change and it is not expected to impact splicing.

KCCC/NGS Laboratory, Kuwait Cancer Control Center
Classification: Likely benign for Peutz-Jeghers syndrome. Last evaluated: 2023-07-07. Review status: criteria provided, single submitter. Criteria: ACMG Guidelines, 2015. Collection method: clinical testing. Allele origin: germline. Affected: yes.

Ambry Genetics
Classification: Likely benign for Hereditary cancer-predisposing syndrome. Last evaluated: 2019-06-25. Review status: criteria provided, single submitter. Criteria: Ambry Variant Classification Scheme 2023. Collection method: clinical testing. Allele origin: germline.

Quest Diagnostics Nichols Institute San Juan Capistrano
Classification: Likely benign. Last evaluated: 2018-07-28. Review status: criteria provided, single submitter. Criteria: Quest Diagnostics criteria. Collection method: clinical testing. Allele origin: germline.

Color Diagnostics, LLC DBA Color Health
Classification: Likely benign for Hereditary cancer-predisposing syndrome. Last evaluated: 2017-06-20. Review status: criteria provided, single submitter. Criteria: ACMG Guidelines, 2015. Collection method: clinical testing. Allele origin: germline.

NM_000455.5(STK11):c.666C>G (p.Pro222=)

Gene: STK11 (serine/threonine kinase 11; plus strand). Cytogenetic location: 19p13.3.
Variant type: single nucleotide variant.
Coding change: c.666C>G on transcript NM_000455.5 (MANE Select); coding-DNA position 666, C replaced by G.
Protein change: p.Pro222=; no amino-acid change (proline 222 retained).
Molecular consequence: synonymous variant.
Genome position (GRCh38, 1-based): chr19:1,220,649, C>G. VCF-style: chr19-1220649-C-G. GRCh37 (hg19) VCF-style: chr19-1220648-C-G.
Identifiers: ClinVar variation 492549 (VCV000492549.19), dbSNP rs542189325, ClinGen allele CA504892403.